The following is an entry in ClinVar:

ClinVar aggregate classification (germline): Pathogenic (0 of 4 stars; one submission).

Conditions:
PKD2-related disorder. Also called: PKD2-related condition.

Submission:

PreventionGenetics, part of Exact Sciences
Classification: Pathogenic for PKD2-related condition. Last evaluated: 2024-06-27. Review status: no assertion criteria provided. Collection method: clinical testing. Allele origin: germline.
Comment: The PKD2 c.2124C>A variant is predicted to result in premature protein termination (p.Tyr708*). To our knowledge, this variant has not been reported in the literature or in a large population database, indicating this variant is rare. Nonsense variants in PKD2 are expected to be pathogenic. This variant is interpreted as pathogenic.

NM_000297.4(PKD2):c.2124C>A (p.Tyr708Ter)

Gene: PKD2 (polycystin 2, transient receptor potential cation channel; plus strand). Cytogenetic location: 4q22.1.
Variant type: single nucleotide variant.
Coding change: c.2124C>A on transcript NM_000297.4 (MANE Select); coding-DNA position 2124, C replaced by A.
Protein change: p.Tyr708Ter; replaces tyrosine 708 with a stop codon.
Molecular consequence: nonsense. On other transcripts: non-coding transcript variant (1).
Genome position (GRCh38, 1-based): chr4:88,065,379, C>A. VCF-style: chr4-88065379-C-A. GRCh37 (hg19) VCF-style: chr4-88986531-C-A.
Other names: short protein forms Y708*.
Identifiers: ClinVar variation 3346790 (VCV003346790.1).
Genomic context (GRCh38, chr4:88,065,379, plus strand): 5'-GATGCAAAAGGAGAATACACTAAACCAAGTCTTTTATTTTTTCTCTCTCTGATAGGGCTA[C>A]CATAAAGCTTTGGTCAAACTAAAACTGAAAAAAAATACCGTGGATGACATTTCAGAGAGT-3'